The following is an entry in ClinVar:

NM_003680.3(YARS1):c.-245T>C

Genes: S100PBP (S100P binding protein; plus strand), YARS1 (tyrosyl-tRNA synthetase 1; minus strand). Cytogenetic location: 1p35.1.
Variant type: single nucleotide variant.
Coding change: c.-245T>C on transcript NM_003680.3; 245 bases upstream of the start codon, T replaced by C.
Molecular consequence: 5 prime UTR variant (on NM_001256121.2).
Genome position (GRCh38, 1-based): chr1:32,817,489, A>G on the plus strand (T>C on the coding strand, the complement: YARS1 is on the minus strand). VCF-style: chr1-32817489-A-G. GRCh37 (hg19) VCF-style: chr1-33283090-A-G.
Other names: c.-230A>G (NM_001256121.2).
Identifiers: ClinVar variation 875721 (VCV000875721.6), dbSNP rs189362780, ClinGen allele CA20297664.

ClinVar aggregate classification (germline): Benign (1 of 4 stars; one submission).

Conditions:
Charcot-Marie-Tooth disease dominant intermediate C (CMTDIC). Also called: CHARCOT-MARIE-TOOTH NEUROPATHY, DOMINANT INTERMEDIATE C. Identifiers: Orphanet 100045, MedGen C1842237, MONDO:0012012, OMIM 608323.

Allele frequency attached by ClinVar (database versions not stated): gnomAD 0.00204 and 0.00218; gnomAD exomes 0.00026; 1000 Genomes Project 0.00319; TOPMed 0.00302.

Submission:

Illumina Laboratory Services, Illumina
Classification: Benign for Charcot-Marie-Tooth disease dominant intermediate C. Last evaluated: 2018-01-13. Review status: criteria provided, single submitter. Criteria: ICSL Variant Classification Criteria 13 December 2019. Collection method: clinical testing. Allele origin: germline.
Comment: This variant was observed in the ICSL laboratory as part of a predisposition screen in an ostensibly healthy population. It had not been previously curated by ICSL or reported in the Human Gene Mutation Database (HGMD: prior to June 1st, 2018), and was therefore a candidate for classification through an automated scoring system. Utilizing variant allele frequency, disease prevalence and penetrance estimates, and inheritance mode, an automated score was calculated to assess if this variant is too frequent to cause the disease. Based on the score and internal cut-off values, a variant classified as benign is not then subjected to further curation. The score for this variant resulted in a classification of benign for this disease.